The following is an entry in ClinVar:

NM_001009944.3(PKD1):c.10545G>A (p.Arg3515=)

Genes: PKD1 (polycystin 1, transient receptor potential channel interacting; minus strand), PKD1-AS1 (PKD1 antisense RNA 1; plus strand). Cytogenetic location: 16p13.3.
Variant type: single nucleotide variant.
Coding change: c.10545G>A on transcript NM_001009944.3 (MANE Select); coding-DNA position 10545, G replaced by A.
Protein change: p.Arg3515=; no amino-acid change (arginine 3515 retained).
Molecular consequence: synonymous variant.
Genome position (GRCh38, 1-based): chr16:2,094,165, C>T on the plus strand (G>A on the coding strand, the complement: PKD1 is on the minus strand). VCF-style: chr16-2094165-C-T. GRCh37 (hg19) VCF-style: chr16-2144166-C-T.
Other names: c.10542G>A, p.Arg3514= (NM_000296.4).
Identifiers: ClinVar variation 4084446 (VCV004084446.8).

ClinVar aggregate classification (germline): Likely benign (1 of 4 stars; one submission).

Submission:

CeGaT Center for Human Genetics Tuebingen
Classification: Likely benign. Last evaluated: 2025-10-01. Review status: criteria provided, single submitter. Criteria: CeGaT Center For Human Genetics Tuebingen Variant Classification Criteria Version 2. Collection method: clinical testing. Allele origin: germline. Affected: yes. Observed: 2 variant alleles.
Comment: PKD1: BP4, BP7